The following is an entry in ClinVar:

NM_004329.3(BMPR1A):c.908C>T (p.Thr303Ile)

Gene: BMPR1A (bone morphogenetic protein receptor type 1A; plus strand). Cytogenetic location: 10q23.2.
Variant type: single nucleotide variant.
Coding change: c.908C>T on transcript NM_004329.3 (MANE Select); coding-DNA position 908, C replaced by T.
Protein change: p.Thr303Ile; replaces threonine 303 with isoleucine.
Molecular consequence: missense variant.
Genome position (GRCh38, 1-based): chr10:86,919,211, C>T. VCF-style: chr10-86919211-C-T. GRCh37 (hg19) VCF-style: chr10-88678968-C-T.
Other names: short protein forms T303I.
Identifiers: ClinVar variation 926093 (VCV000926093.6), dbSNP rs1843622041, ClinGen allele CA377459998.

ClinVar aggregate classification (germline): Uncertain significance. Review status: criteria provided, multiple submitters, no conflicts (2 of 4 stars). 2 submissions from 2 submitters: Uncertain significance (2). Last evaluated 2023-12-04.

Conditions:
Hereditary cancer-predisposing syndrome. Also called: Neoplastic Syndromes, Hereditary; Tumor predisposition; Hereditary Cancer Syndrome; Hereditary neoplastic syndrome. Identifiers: Orphanet 140162, MedGen C0027672, MeSH D009386, MONDO:0015356.

Submissions (2):

Color Diagnostics, LLC DBA Color Health
Classification: Uncertain significance for Hereditary cancer-predisposing syndrome. Last evaluated: 2023-12-04. Review status: criteria provided, single submitter. Criteria: ACMG Guidelines, 2015. Collection method: clinical testing. Allele origin: germline.
Comment: This missense variant replaces threonine with isoleucine at codon 303 of the BMPR1A protein. Computational prediction is inconclusive regarding the impact of this variant on protein structure and function (internally defined REVEL score threshold 0.5 < inconclusive < 0.7, PMID: 27666373). To our knowledge, functional studies have not been reported for this variant. This variant has not been reported in individuals affected with BMPR1A-related disorders in the literature. This variant has not been identified in the general population by the Genome Aggregation Database (gnomAD). The available evidence is insufficient to determine the role of this variant in disease conclusively. Therefore, this variant is classified as a Variant of Uncertain Significance.

Ambry Genetics
Classification: Uncertain significance for Hereditary cancer-predisposing syndrome. Last evaluated: 2022-11-25. Review status: criteria provided, single submitter. Criteria: Ambry Variant Classification Scheme 2023. Collection method: clinical testing. Allele origin: germline.
Comment: The p.T303I variant (also known as c.908C>T), located in coding exon 8 of the BMPR1A gene, results from a C to T substitution at nucleotide position 908. The threonine at codon 303 is replaced by isoleucine, an amino acid with similar properties. This amino acid position is conserved. In addition, the in silico prediction for this alteration is inconclusive. Since supporting evidence is limited at this time, the clinical significance of this alteration remains unclear.